The following is an entry in ClinVar:

ClinVar aggregate classification (germline): Benign/Likely benign. Review status: criteria provided, multiple submitters, no conflicts (2 of 4 stars). 4 submissions from 4 submitters: Benign (1); Likely benign (3). Last evaluated 2025-03-04.

Conditions:
Familial cancer of breast. Also called: BREAST CANCER, FAMILIAL; Hereditary breast cancer; hereditary breast carcinoma. Identifiers: Orphanet 227535, MedGen C0346153, MONDO:0016419, OMIM 114480. Disease mechanism: loss of function.
Hereditary cancer-predisposing syndrome. Also called: Hereditary neoplastic syndrome; Neoplastic Syndromes, Hereditary; Hereditary Cancer Syndrome; Tumor predisposition. Identifiers: Orphanet 140162, MedGen C0027672, MeSH D009386, MONDO:0015356.

gnomAD v4.1: 1 of 1,614,122 alleles (0.000062%); highest among the groups gnomAD compares: Non-Finnish European, 0.000085%; no homozygotes.

Submissions (4):

Center for Genomic Medicine, Rigshospitalet, Copenhagen University Hospital
Classification: Likely benign. Last evaluated: 2025-03-04. Review status: criteria provided, single submitter. Criteria: ACMG Guidelines, 2015. Collection method: clinical testing. Allele origin: germline.

Labcorp Genetics (formerly Invitae), Labcorp
Classification: Likely benign for Familial cancer of breast. Last evaluated: 2025-01-12. Review status: criteria provided, single submitter. Criteria: Invitae Variant Classification Sherloc (09022015). Collection method: clinical testing. Allele origin: germline.

Myriad Genetics, Inc.
Classification: Benign for Familial cancer of breast. Last evaluated: 2025-01-10. Review status: criteria provided, single submitter. Criteria: Myriad Autosomal Dominant, Autosomal Recessive and X-Linked Classification Criteria (2023). Collection method: clinical testing. Allele origin: unknown.
Comment: This variant is considered benign. This variant is a silent/synonymous amino acid change and it is not expected to impact splicing.

Ambry Genetics
Classification: Likely benign for Hereditary cancer-predisposing syndrome. Last evaluated: 2020-12-11. Review status: criteria provided, single submitter. Criteria: Ambry Variant Classification Scheme 2023. Collection method: clinical testing. Allele origin: germline.

NM_024675.4(PALB2):c.792C>T (p.His264=)

Gene: PALB2 (partner and localizer of BRCA2; minus strand). Cytogenetic location: 16p12.2.
Variant type: single nucleotide variant.
Coding change: c.792C>T on transcript NM_024675.4 (MANE Select); coding-DNA position 792, C replaced by T.
Protein change: p.His264=; no amino-acid change (histidine 264 retained).
Molecular consequence: synonymous variant.
Genome position (GRCh38, 1-based): chr16:23,635,754, G>A on the plus strand (C>T on the coding strand, the complement: PALB2 is on the minus strand). VCF-style: chr16-23635754-G-A. GRCh37 (hg19) VCF-style: chr16-23647075-G-A.
Identifiers: ClinVar variation 530237 (VCV000530237.14), dbSNP rs1310569612, ClinGen allele CA494461568.